The following is an entry in ClinVar:

ClinVar aggregate classification (germline): Likely benign (0 of 4 stars; one submission).

Conditions:
NIPBL-related disorder. Also called: NIPBL-related condition.

Submission:

PreventionGenetics, part of Exact Sciences
Classification: Likely benign for NIPBL-related condition. Last evaluated: 2024-03-19. Review status: no assertion criteria provided. Collection method: clinical testing. Allele origin: germline.
Comment: This variant is classified as likely benign based on ACMG/AMP sequence variant interpretation guidelines (Richards et al. 2015 PMID: 25741868, with internal and published modifications).

NM_133433.4(NIPBL):c.1371A>G (p.Gln457=)

Gene: NIPBL (NIPBL cohesin loading factor; plus strand). Cytogenetic location: 5p13.2.
Variant type: single nucleotide variant.
Coding change: c.1371A>G on transcript NM_133433.4 (MANE Select); coding-DNA position 1371, A replaced by G.
Protein change: p.Gln457=; no amino-acid change (glutamine 457 retained).
Molecular consequence: synonymous variant.
Genome position (GRCh38, 1-based): chr5:36,976,278, A>G. VCF-style: chr5-36976278-A-G. GRCh37 (hg19) VCF-style: chr5-36976380-A-G.
Other names: c.1371A>G, p.Gln457= (NM_015384.5).
Identifiers: ClinVar variation 3356683 (VCV003356683.1).